The following is an entry in ClinVar:

NM_020638.3(FGF23):c.260G>C (p.Gly87Ala)

Gene: FGF23 (fibroblast growth factor 23; minus strand). Cytogenetic location: 12p13.32.
Variant type: single nucleotide variant.
Coding change: c.260G>C on transcript NM_020638.3 (MANE Select); coding-DNA position 260, G replaced by C.
Protein change: p.Gly87Ala; replaces glycine 87 with alanine.
Molecular consequence: missense variant.
Genome position (GRCh38, 1-based): chr12:4,372,649, C>G on the plus strand (G>C on the coding strand, the complement: FGF23 is on the minus strand). VCF-style: chr12-4372649-C-G. GRCh37 (hg19) VCF-style: chr12-4481815-C-G.
Other names: short protein forms G87A.
Identifiers: ClinVar variation 2702988 (VCV002702988.3), dbSNP rs863224872, ClinGen allele CA383416807.

ClinVar aggregate classification (germline): Uncertain significance (1 of 4 stars; one submission).

Submission:

Labcorp Genetics (formerly Invitae), Labcorp
Classification: Uncertain significance. Last evaluated: 2023-12-13. Review status: criteria provided, single submitter. Criteria: Invitae Variant Classification Sherloc (09022015). Collection method: clinical testing. Allele origin: germline.
Comment: This sequence change replaces glycine, which is neutral and non-polar, with alanine, which is neutral and non-polar, at codon 87 of the FGF23 protein (p.Gly87Ala). This variant is not present in population databases (gnomAD no frequency). This variant has not been reported in the literature in individuals affected with FGF23-related conditions. Advanced modeling of protein sequence and biophysical properties (such as structural, functional, and spatial information, amino acid conservation, physicochemical variation, residue mobility, and thermodynamic stability) has been performed at Invitae for this missense variant, however the output from this modeling did not meet the statistical confidence thresholds required to predict the impact of this variant on FGF23 protein function. In summary, the available evidence is currently insufficient to determine the role of this variant in disease. Therefore, it has been classified as a Variant of Uncertain Significance.